The following is an entry in ClinVar:

NM_016239.4(MYO15A):c.5067T>G (p.Tyr1689Ter)

Gene: MYO15A (myosin XVA; plus strand). Cytogenetic location: 17p11.2.
Variant type: single nucleotide variant.
Coding change: c.5067T>G on transcript NM_016239.4 (MANE Select); coding-DNA position 5067, T replaced by G.
Protein change: p.Tyr1689Ter; replaces tyrosine 1689 with a stop codon.
Molecular consequence: nonsense.
Genome position (GRCh38, 1-based): chr17:18,138,870, T>G. VCF-style: chr17-18138870-T-G. GRCh37 (hg19) VCF-style: chr17-18042184-T-G.
Other names: short protein forms Y1689*.
Identifiers: ClinVar variation 2820446 (VCV002820446.3), dbSNP rs1040776353, ClinGen allele CA398598305.

ClinVar aggregate classification (germline): Pathogenic (1 of 4 stars; one submission).

Submission:

Labcorp Genetics (formerly Invitae), Labcorp
Classification: Pathogenic. Last evaluated: 2024-02-01. Review status: criteria provided, single submitter. Criteria: Invitae Variant Classification Sherloc (09022015). Collection method: clinical testing. Allele origin: germline.
Comment: This sequence change creates a premature translational stop signal (p.Tyr1689*) in the MYO15A gene. It is expected to result in an absent or disrupted protein product. Loss-of-function variants in MYO15A are known to be pathogenic (PMID: 17546645). This variant is not present in population databases (gnomAD no frequency). This variant has not been reported in the literature in individuals affected with MYO15A-related conditions. For these reasons, this variant has been classified as Pathogenic.

Literature cited by the submitters: PubMed 17546645.